The following is an entry in ClinVar:

ClinVar aggregate classification (germline): Uncertain significance. Review status: criteria provided, single submitter (1 of 4 stars). 2 submissions from 2 submitters: Uncertain significance (1). 1 of the submissions does not count toward it. Last evaluated 2022-09-12.

Conditions:
MLH3-related disorder. Also called: MLH3-related condition.

Submissions (2):

Ambry Genetics
Classification: Uncertain significance. Last evaluated: 2022-09-12. Review status: criteria provided, single submitter. Criteria: Ambry Variant Classification Scheme 2023. Collection method: clinical testing. Allele origin: germline.
Comment: The p.S1065G variant (also known as c.3193A>G), located in coding exon 1 of the MLH3 gene, results from an A to G substitution at nucleotide position 3193. The serine at codon 1065 is replaced by glycine, an amino acid with similar properties. This amino acid position is conserved. In addition, this alteration is predicted to be deleterious by in silico analysis. Since supporting evidence is limited at this time, the clinical significance of this alteration remains unclear.

PreventionGenetics, part of Exact Sciences
Classification: Uncertain significance for MLH3-related condition. Last evaluated: 2023-11-28. Review status: no assertion criteria provided. Collection method: clinical testing. Allele origin: germline. Not counted in ClinVar's aggregate classification.
Comment: The MLH3 c.3193A>G variant is predicted to result in the amino acid substitution p.Ser1065Gly. To our knowledge, this variant has not been reported in the literature or in a large population database, indicating this variant is rare. At this time, the clinical significance of this variant is uncertain due to the absence of conclusive functional and genetic evidence.

NM_001040108.2(MLH3):c.3193A>G (p.Ser1065Gly)

Gene: MLH3 (mutL homolog 3; minus strand). Cytogenetic location: 14q24.3.
Variant type: single nucleotide variant.
Coding change: c.3193A>G on transcript NM_001040108.2 (MANE Select); coding-DNA position 3193, A replaced by G.
Protein change: p.Ser1065Gly; replaces serine 1065 with glycine.
Molecular consequence: missense variant.
Genome position (GRCh38, 1-based): chr14:75,046,463, T>C on the plus strand (A>G on the coding strand, the complement: MLH3 is on the minus strand). VCF-style: chr14-75046463-T-C. GRCh37 (hg19) VCF-style: chr14-75513166-T-C.
Other names: c.3193A>G, p.Ser1065Gly (NM_014381.3); short protein forms S1065G.
Identifiers: ClinVar variation 1728691 (VCV001728691.4), dbSNP rs2503251942, ClinGen allele CA390435186.